The following is an entry in ClinVar:

NM_000051.4(ATM):c.7080T>G (p.Tyr2360Ter)

Genes: C11orf65 (chromosome 11 open reading frame 65; minus strand), ATM (ATM serine/threonine kinase; plus strand). Cytogenetic location: 11q22.3.
Variant type: single nucleotide variant.
Coding change: c.7080T>G on transcript NM_000051.4 (MANE Select); coding-DNA position 7080, T replaced by G.
Protein change: p.Tyr2360Ter; replaces tyrosine 2360 with a stop codon.
Molecular consequence: nonsense. On other transcripts: intron variant (2).
Genome position (GRCh38, 1-based): chr11:108,327,749, T>G. VCF-style: chr11-108327749-T-G. GRCh37 (hg19) VCF-style: chr11-108198476-T-G.
Other names: c.7080T>G, p.Tyr2360Ter (NM_001351834.2); c.641-18678A>C (NM_001330368.2); c.*38+7471A>C (NM_001351110.2); short protein forms Y2360*.
Identifiers: ClinVar variation 524374 (VCV000524374.7), dbSNP rs1555121147, ClinGen allele CA382559168.

ClinVar aggregate classification (germline): Pathogenic (1 of 4 stars; one submission).

Conditions:
Ataxia-telangiectasia syndrome (AT). Also called: Cerebello-oculocutaneous telangiectasia; Immunodeficiency with ataxia telangiectasia; Ataxia-telangiectasia, complementation group E; Ataxia-telangiectasia, complementation group D; AT, COMPLEMENTATION GROUP C; ATAXIA-TELANGIECTASIA, COMPLEMENTATION GROUP A. Identifiers: Orphanet 100, MedGen C0004135, MONDO:0008840, OMIM 208900.

Submission:

Labcorp Genetics (formerly Invitae), Labcorp
Classification: Pathogenic for Ataxia-telangiectasia syndrome. Last evaluated: 2017-10-14. Review status: criteria provided, single submitter. Criteria: Invitae Variant Classification Sherloc (09022015). Collection method: clinical testing. Allele origin: germline.
Comment: This variant has not been reported in the literature in individuals with ATM-related disease. For these reasons, this variant has been classified as Pathogenic. Loss-of-function variants in ATM are known to be pathogenic (PMID: 23807571, 25614872). This variant is not present in population databases (ExAC no frequency). This sequence change creates a premature translational stop signal (p.Tyr2360*) in the ATM gene. It is expected to result in an absent or disrupted protein product.

Literature cited by the submitters: PubMed 23807571; PubMed 25614872.